The following is an entry in ClinVar:

NM_170741.4(KCNJ16):c.12C>G (p.Tyr4Ter)

Gene: KCNJ16 (potassium inwardly rectifying channel subfamily J member 16; plus strand). Cytogenetic location: 17q24.3.
Variant type: single nucleotide variant.
Coding change: c.12C>G on transcript NM_170741.4 (MANE Select); coding-DNA position 12, C replaced by G.
Protein change: p.Tyr4Ter; replaces tyrosine 4 with a stop codon.
Molecular consequence: nonsense.
Genome position (GRCh38, 1-based): chr17:70,132,099, C>G. VCF-style: chr17-70132099-C-G. GRCh37 (hg19) VCF-style: chr17-68128240-C-G.
Other names: c.12C>G, p.Tyr4Ter (NM_001270422.2, NM_001291622.3, NM_001291623.2 and 4 more transcripts); short protein forms Y4*.
Identifiers: ClinVar variation 3068382 (VCV003068382.1), dbSNP rs377652819, ClinGen allele CA400860899.

ClinVar aggregate classification (germline): Likely pathogenic (1 of 4 stars; one submission).

Conditions:
Hypokalemic tubulopathy and deafness. Identifiers: MedGen C5543621, MONDO:0859167, OMIM 619406.

Submission:

MVZ Medizinische Genetik Mainz
Classification: Likely pathogenic for Hypokalemic tubulopathy and deafness. Last evaluated: 2022-01-31. Review status: criteria provided, single submitter. Criteria: UK Practice Guidelines For Variant Classification V4 01 2020. Collection method: clinical testing. Allele origin: germline. Inheritance: Autosomal recessive inheritance. Affected: yes. Observed: 1 variant allele.
Comment: ACMG Criteria: PVS1_STR, PM2_SUP, PP4 (ACMG Version 3)